The following is an entry in ClinVar:

ClinVar aggregate classification (germline): Pathogenic (1 of 4 stars; one submission).

Submission:

Labcorp Genetics (formerly Invitae), Labcorp
Classification: Pathogenic. Last evaluated: 2022-12-29. Review status: criteria provided, single submitter. Criteria: Invitae Variant Classification Sherloc (09022015). Collection method: clinical testing. Allele origin: germline.
Comment: This variant has not been reported in the literature in individuals affected with SLC38A8-related conditions. For these reasons, this variant has been classified as Pathogenic. This variant is not present in population databases (gnomAD no frequency). This sequence change creates a premature translational stop signal (p.Val92Trpfs*24) in the SLC38A8 gene. It is expected to result in an absent or disrupted protein product. Loss-of-function variants in SLC38A8 are known to be pathogenic (PMID: 24290379).

Literature cited by the submitters: PubMed 24290379.

NM_001080442.3(SLC38A8):c.272_273dup (p.Val92fs)

Gene: SLC38A8 (solute carrier family 38 member 8; minus strand). Cytogenetic location: 16q23.3.
Variant type: Microsatellite.
Coding change: c.272_273dup on transcript NM_001080442.3 (MANE Select); coding-DNA positions 272 to 273, 2 bases duplicated (TG; older notation c.272_273dupTG).
Protein change: p.Val92fs; shifts the reading frame from valine 92.
Molecular consequence: frameshift variant.
Genome position (GRCh38, 1-based): chr16:84,036,817-84,036,818, CA duplicated on the plus strand (TG on the coding strand, the reverse complement: SLC38A8 is on the minus strand); duplicating any 2 consecutive bases within chr16:84,036,817-84,036,821 gives the same sequence; the c. name uses the placement nearest the transcript's 3' end. VCF-style (leftmost placement, unchanged base first): chr16-84036816-C-CCA. GRCh37 (hg19) VCF-style: chr16-84070421-C-CCA.
Other names: short protein forms V92fs.
Identifiers: ClinVar variation 2791239 (VCV002791239.3), dbSNP rs2507668848, ClinGen allele CA2634583409.